The following is an entry in ClinVar:

ClinVar aggregate classification (germline): Uncertain significance (1 of 4 stars; one submission).

Conditions:
Gorlin syndrome. Also called: Nevoid Basal Cell Carcinoma Syndrome; Basal cell nevus syndrome. Identifiers: Orphanet 377, MedGen C0004779, MONDO:0007187.

Submission:

Labcorp Genetics (formerly Invitae), Labcorp
Classification: Uncertain significance for Gorlin syndrome. Last evaluated: 2024-03-29. Review status: criteria provided, single submitter. Criteria: Invitae Variant Classification Sherloc (09022015). Collection method: clinical testing. Allele origin: germline.
Comment: This sequence change replaces aspartic acid, which is acidic and polar, with valine, which is neutral and non-polar, at codon 318 of the PTCH1 protein (p.Asp318Val). This variant is not present in population databases (gnomAD no frequency). This variant has not been reported in the literature in individuals affected with PTCH1-related conditions. Advanced modeling of protein sequence and biophysical properties (such as structural, functional, and spatial information, amino acid conservation, physicochemical variation, residue mobility, and thermodynamic stability) performed at Invitae indicates that this missense variant is expected to disrupt PTCH1 protein function with a positive predictive value of 80%. In summary, the available evidence is currently insufficient to determine the role of this variant in disease. Therefore, it has been classified as a Variant of Uncertain Significance.

NM_000264.5(PTCH1):c.953A>T (p.Asp318Val)

Gene: PTCH1 (patched 1; minus strand). Cytogenetic location: 9q22.32.
Variant type: single nucleotide variant.
Coding change: c.953A>T on transcript NM_000264.5 (MANE Select); coding-DNA position 953, A replaced by T.
Protein change: p.Asp318Val; replaces aspartic acid 318 with valine.
Molecular consequence: missense variant. On other transcripts: non-coding transcript variant (1).
Genome position (GRCh38, 1-based): chr9:95,480,083, T>A on the plus strand (A>T on the coding strand, the complement: PTCH1 is on the minus strand). VCF-style: chr9-95480083-T-A. GRCh37 (hg19) VCF-style: chr9-98242365-T-A.
Other names: c.755A>T, p.Asp252Val (NM_001083602.3); c.950A>T, p.Asp317Val (NM_001083603.3); c.500A>T, p.Asp167Val (NM_001083604.3, NM_001083605.3, NM_001083606.3 and 1 more transcripts); c.953A>T, p.Asp318Val (NM_001354918.2); short protein forms D317V, D318V, D167V, D252V.
Identifiers: ClinVar variation 2812229 (VCV002812229.3), dbSNP rs2118396247, ClinGen allele CA374119817.
Genomic context (GRCh38, chr9:95,480,083, plus strand): 5'-TGCCAGTGCATATACTTTCTGGATAAGCCATGACATCCACCATTCAAAACAAGGGCCATA[T>A]CAAGAGGCTAAAATAAAAAGACAGCCACATAATTATGGGAATTAGTAGGCAGGTCACATG-3'
Protein context (NP_000255.2, residues 308-328): APNKNSTKPL[Asp318Val]MALVLNGGCH